The following is an entry in ClinVar:

NM_022773.4(LMF1):c.241G>A (p.Asp81Asn)

Gene: LMF1 (lipase maturation factor 1; minus strand). Cytogenetic location: 16p13.3.
Variant type: single nucleotide variant.
Coding change: c.241G>A on transcript NM_022773.4 (MANE Select); coding-DNA position 241, G replaced by A.
Protein change: p.Asp81Asn; replaces aspartic acid 81 with asparagine.
Molecular consequence: missense variant. On other transcripts: 5 prime UTR variant (4), non-coding transcript variant (1).
Genome position (GRCh38, 1-based): chr16:954,619, C>T on the plus strand (G>A on the coding strand, the complement: LMF1 is on the minus strand). VCF-style: chr16-954619-C-T. GRCh37 (hg19) VCF-style: chr16-1004619-C-T.
Other names: c.-563G>A (NM_001352017.2); c.-314G>A (NM_001352018.2); c.-87G>A (NM_001352019.2); c.241G>A, p.Asp81Asn (NM_001352020.1); c.-465G>A (NM_001352021.2); short protein forms D81N.
Identifiers: ClinVar variation 3538678 (VCV003538678.2).

ClinVar aggregate classification (germline): Uncertain significance (1 of 4 stars; one submission).

Conditions:
Cardiovascular phenotype. Identifiers: MedGen CN230736.

gnomAD v4.1: 12 of 1,608,514 alleles (0.00075%); highest among the groups gnomAD compares: Admixed American, 0.013%; no homozygotes.

Submission:

Ambry Genetics
Classification: Uncertain significance for Cardiovascular phenotype. Last evaluated: 2025-12-19. Review status: criteria provided, single submitter. Criteria: Ambry Variant Classification Scheme 2023. Collection method: clinical testing. Allele origin: germline.
Comment: The p.D81N variant (also known as c.241G>A), located in coding exon 2 of the LMF1 gene, results from a G to A substitution at nucleotide position 241. The aspartic acid at codon 81 is replaced by asparagine, an amino acid with highly similar properties. This amino acid position is conserved. In addition, this alteration is predicted to be tolerated by in silico analysis. Based on the available evidence, the clinical significance of this variant remains unclear.